The following is an entry in ClinVar:

ClinVar aggregate classification (germline): Pathogenic (1 of 4 stars; one submission).

Conditions:
Duchenne muscular dystrophy (DMD). Also called: MUSCULAR DYSTROPHY, PSEUDOHYPERTROPHIC PROGRESSIVE, DUCHENNE TYPE; Duchenne Muscular Dystrophy (DMD). Identifiers: Orphanet 98896, MedGen C0013264, MONDO:0010679, OMIM 310200.

Submission:

Labcorp Genetics (formerly Invitae), Labcorp
Classification: Pathogenic for Duchenne muscular dystrophy. Last evaluated: 2021-01-25. Review status: criteria provided, single submitter. Criteria: Invitae Variant Classification Sherloc (09022015). Collection method: clinical testing. Allele origin: germline.
Comment: This variant is not present in population databases (ExAC no frequency). This sequence change creates a premature translational stop signal (p.Thr2005Metfs*7) in the DMD gene. It is expected to result in an absent or disrupted protein product. Loss-of-function variants in DMD are known to be pathogenic (PMID: 16770791, 25007885). For these reasons, this variant has been classified as Pathogenic. This variant has not been reported in the literature in individuals with DMD-related conditions.

Literature cited by the submitters: PubMed 16770791; PubMed 25007885.

NM_004006.3(DMD):c.6014_6017del (p.Thr2005fs)

Gene: DMD (dystrophin; minus strand). Cytogenetic location: Xp21.1.
Variant type: Deletion.
Coding change: c.6014_6017del on transcript NM_004006.3 (MANE Select); coding-DNA positions 6014 to 6017, 4 bases deleted (CTCA; older notation c.6014_6017delCTCA).
Protein change: p.Thr2005fs; shifts the reading frame from threonine 2005.
Molecular consequence: frameshift variant.
Genome position (GRCh38, 1-based): chrX:32,310,182-32,310,185, TGAG deleted on the plus strand (CTCA on the coding strand, the reverse complement: DMD is on the minus strand); deleting any 4 consecutive bases within chrX:32,310,182-32,310,188 gives the same sequence; the c. name uses the placement nearest the transcript's 3' end. VCF-style (leftmost placement, unchanged base first): chrX-32310181-ATGAG-A. GRCh37 (hg19) VCF-style: chrX-32328298-ATGAG-A.
Other names: c.6014_6017delCTCA (NM_004006.2); c.5990_5993del, p.Thr1997fs (NM_000109.4); c.6002_6005del, p.Thr2001fs (NM_004009.3); c.5645_5648del, p.Thr1882fs (NM_004010.3); c.1991_1994del, p.Thr664fs (NM_004011.4); c.1982_1985del, p.Thr661fs (NM_004012.4); short protein forms T1882fs, T2005fs, T661fs, T2001fs, T664fs, T1997fs.
Identifiers: ClinVar variation 1365016 (VCV001365016.6), dbSNP rs398124003, ClinGen allele CA267093.